The following is an entry in ClinVar:

ClinVar aggregate classification (germline): Benign/Likely benign. Review status: criteria provided, multiple submitters, no conflicts (2 of 4 stars). 3 submissions from 3 submitters: Benign (1); Likely benign (1). 1 of the submissions does not count toward it. Last evaluated 2026-04-22.

Conditions:
Colorectal cancer, susceptibility to, 1. Also called: COLORECTAL ADENOMA AND CANCER, SUSCEPTIBILITY TO; COLORECTAL CANCER, SUSCEPTIBILITY TO, ON CHROMOSOME 9. Identifiers: MedGen C1837315, MONDO:0012132, OMIM 608812.
GALNT12-related disorder. Also called: GALNT12-related condition.

Allele frequency attached by ClinVar (database versions not stated): ExAC 0.00287.
gnomAD v4.1: 3 of 1,248,266 alleles (0.00024%); highest among the groups gnomAD compares: South Asian, 0.0065%; no homozygotes.

Submissions (3):

Myriad Genetics, Inc.
Classification: Benign for Colorectal cancer, susceptibility to, 1. Last evaluated: 2026-04-22. Review status: criteria provided, single submitter. Criteria: Myriad Autosomal Dominant, Autosomal Recessive and X-Linked Classification Criteria (2023). Collection method: clinical testing. Allele origin: unknown.
Comment: This variant is considered benign. This variant is a silent/synonymous amino acid change and it is not expected to impact splicing.

Ambry Genetics
Classification: Likely benign. Last evaluated: 2023-06-21. Review status: criteria provided, single submitter. Criteria: Ambry Variant Classification Scheme 2023. Collection method: clinical testing. Allele origin: germline.

PreventionGenetics, part of Exact Sciences
Classification: Likely benign for GALNT12-related condition. Last evaluated: 2023-12-05. Review status: no assertion criteria provided. Collection method: clinical testing. Allele origin: germline. Not counted in ClinVar's aggregate classification.
Comment: This variant is classified as likely benign based on ACMG/AMP sequence variant interpretation guidelines (Richards et al. 2015 PMID: 25741868, with internal and published modifications).

NM_024642.5(GALNT12):c.228C>A (p.Gly76=)

Gene: GALNT12 (polypeptide N-acetylgalactosaminyltransferase 12; plus strand). Cytogenetic location: 9q22.33.
Variant type: single nucleotide variant.
Coding change: c.228C>A on transcript NM_024642.5 (MANE Select); coding-DNA position 228, C replaced by A.
Protein change: p.Gly76=; no amino-acid change (glycine 76 retained).
Molecular consequence: synonymous variant.
Genome position (GRCh38, 1-based): chr9:98,807,926, C>A. VCF-style: chr9-98807926-C-A. GRCh37 (hg19) VCF-style: chr9-101570208-C-A.
Identifiers: ClinVar variation 2598967 (VCV002598967.5), dbSNP rs752385211, ClinGen allele CA5153900.